The following is an entry in ClinVar:

NM_020928.2(ZSWIM6):c.1392T>G (p.Ser464Arg)

Gene: ZSWIM6 (zinc finger SWIM-type containing 6; plus strand). Cytogenetic location: 5q12.1.
Variant type: single nucleotide variant.
Coding change: c.1392T>G on transcript NM_020928.2 (MANE Select); coding-DNA position 1392, T replaced by G.
Protein change: p.Ser464Arg; replaces serine 464 with arginine.
Molecular consequence: missense variant.
Genome position (GRCh38, 1-based): chr5:61,521,321, T>G. VCF-style: chr5-61521321-T-G. GRCh37 (hg19) VCF-style: chr5-60817148-T-G.
Other names: short protein forms S464R.
Identifiers: ClinVar variation 2759505 (VCV002759505.3), dbSNP rs2478333101, ClinGen allele CA359943204.
Genomic context (GRCh38, chr5:61,521,321, plus strand): 5'-AGGTGCTCTGTGGATGTGTATAGTTTTAAACCCCCACTGCAAGTTGGAGCAAAAGGCCAG[T>G]TGGCTAAAACAGCTGAAGAAATGGAATAGTGTTGATGTCTGTCCATGGGAAGATGGAAAT-3'
Protein context (NP_065979.1, residues 454-474): NPHCKLEQKA[Ser464Arg]WLKQLKKWNS

ClinVar aggregate classification (germline): Uncertain significance (1 of 4 stars; one submission).

Submission:

Labcorp Genetics (formerly Invitae), Labcorp
Classification: Uncertain significance. Last evaluated: 2023-09-10. Review status: criteria provided, single submitter. Criteria: Invitae Variant Classification Sherloc (09022015). Collection method: clinical testing. Allele origin: germline.
Comment: In summary, the available evidence is currently insufficient to determine the role of this variant in disease. Therefore, it has been classified as a Variant of Uncertain Significance. Advanced modeling of protein sequence and biophysical properties (such as structural, functional, and spatial information, amino acid conservation, physicochemical variation, residue mobility, and thermodynamic stability) performed at Invitae indicates that this missense variant is not expected to disrupt ZSWIM6 protein function. This variant has not been reported in the literature in individuals affected with ZSWIM6-related conditions. This variant is not present in population databases (gnomAD no frequency). This sequence change replaces serine, which is neutral and polar, with arginine, which is basic and polar, at codon 464 of the ZSWIM6 protein (p.Ser464Arg).